The following is an entry in ClinVar:

NM_001103.4(ACTN2):c.145A>C (p.Asn49His)

Gene: ACTN2 (actinin alpha 2; plus strand). Cytogenetic location: 1q43.
Variant type: single nucleotide variant.
Coding change: c.145A>C on transcript NM_001103.4 (MANE Select); coding-DNA position 145, A replaced by C.
Protein change: p.Asn49His; replaces asparagine 49 with histidine.
Molecular consequence: missense variant. On other transcripts: non-coding transcript variant (1).
Genome position (GRCh38, 1-based): chr1:236,717,876, A>C. VCF-style: chr1-236717876-A-C. GRCh37 (hg19) VCF-style: chr1-236881176-A-C.
Other names: c.145A>C, p.Asn49His (NM_001278343.2); short protein forms N49H.
Identifiers: ClinVar variation 3264353 (VCV003264353.1).

ClinVar aggregate classification (germline): Uncertain significance (1 of 4 stars; one submission).

Conditions:
Cardiovascular phenotype. Identifiers: MedGen CN230736.

gnomAD v4.1: 1 of 1,614,000 alleles (0.000062%); highest among the groups gnomAD compares: Non-Finnish European, 0.000085%; no homozygotes.

Submission:

Ambry Genetics
Classification: Uncertain significance for Cardiovascular phenotype. Last evaluated: 2024-06-09. Review status: criteria provided, single submitter. Criteria: Ambry Variant Classification Scheme 2023. Collection method: clinical testing. Allele origin: germline.
Comment: The p.N49H variant (also known as c.145A>C), located in coding exon 2 of the ACTN2 gene, results from an A to C substitution at nucleotide position 145. The asparagine at codon 49 is replaced by histidine, an amino acid with similar properties. This amino acid position is conserved. In addition, the in silico prediction for this alteration is inconclusive. Based on the available evidence, the clinical significance of this variant remains unclear.